The following is an entry in ClinVar:

ClinVar aggregate classification (germline): Likely pathogenic (1 of 4 stars; one submission).

Conditions:
Left ventricular noncompaction 10 (LVNC10). Identifiers: Orphanet 154, Orphanet 54260, MedGen C3715165, MONDO:0014163, OMIM 615396.
Hypertrophic cardiomyopathy 4. Also called: Familial hypertrophic cardiomyopathy 4. Identifiers: MedGen C1861862, MONDO:0007268, OMIM 115197.

Submission:

Juno Genomics, Hangzhou Juno Genomics, Inc
Classification: Likely pathogenic for Left ventricular noncompaction 10; Hypertrophic cardiomyopathy 4. Review status: criteria provided, single submitter. Criteria: ACMG Guidelines, 2015. Collection method: clinical testing. Allele origin: germline. Affected: yes.
Comment: Absent from controls (or at extremely low frequency if recessive) in Genome Aggregation Database, Exome Sequencing Project, 1000 Genomes Project, or Exome Aggregation Consortium.;Null variant in a gene where loss of function (LOF) is a known mechanism of disease.

NM_000256.3(MYBPC3):c.3708_3709dup (p.Thr1237fs)

Gene: MYBPC3 (myosin binding protein C3; minus strand). Cytogenetic location: 11p11.2.
Variant type: Duplication.
Coding change: c.3708_3709dup on transcript NM_000256.3 (MANE Select); coding-DNA positions 3708 to 3709, 2 bases duplicated (GA; older notation c.3708_3709dupGA).
Protein change: p.Thr1237fs; shifts the reading frame from threonine 1237.
Molecular consequence: frameshift variant.
Genome position (GRCh38, 1-based): chr11:47,332,177-47,332,178, TC duplicated on the plus strand (GA on the coding strand, the reverse complement: MYBPC3 is on the minus strand). VCF-style (leftmost placement, unchanged base first): chr11-47332176-G-GTC. GRCh37 (hg19) VCF-style: chr11-47353727-G-GTC.
Other names: short protein forms T1237fs.
Identifiers: ClinVar variation 3382362 (VCV003382362.2).
Genomic context (GRCh38, chr11:47,332,176, plus strand): 5'-TTGGTGGCCCTGCAGACATAGATGCCCCCGTCAAAGGGGCAGGGCTTTCTAATCTCCAGA[G>GTC]TCAACACTCCCTGCTTGCTGAACATGCGGAAGCGGGCGTCTTCTCCCAGGTCCAGGCCAT-3'